The following is an entry in ClinVar:

ClinVar aggregate classification (germline): Benign/Likely benign. Review status: criteria provided, multiple submitters, no conflicts (2 of 4 stars). 7 submissions from 7 submitters: Benign (5); Likely benign (1). 1 of the submissions does not count toward it. Last evaluated 2026-02-04.

Conditions:
Joubert syndrome. Also called: Familial aplasia of the vermis; JOUBERT-BOLTSHAUSER SYNDROME. Identifiers: Orphanet 475, MedGen C5979921, MONDO:0018772.
Meckel-Gruber syndrome. Also called: Dysencephalia splachnocystica; GRUBER SYNDROME; DYSENCEPHALIA SPLANCHNOCYSTICA. Identifiers: Orphanet 564, MedGen C0265215, MONDO:0018921.
Nephronophthisis. Also called: Juvenile Nephronophthisis. Identifiers: Orphanet 655, MedGen C0687120, MONDO:0019005, HP:0000090.

Allele frequency attached by ClinVar (database versions not stated): gnomAD exomes 0.00445 and 0.01199; ExAC 0.01530; gnomAD 0.05003 and 0.05367; 1000 Genomes Project 0.05072; ESP Exome Variant Server 0.05268; 1000 Genomes Project 30x 0.05450; TOPMed 0.05595.
gnomAD v4.1: 14,275 of 1,597,158 alleles (0.89%); highest among the groups gnomAD compares: African/African-American, 17%; 1,174 homozygotes.

Submissions (7):

Labcorp Genetics (formerly Invitae), Labcorp
Classification: Benign for Joubert syndrome; Meckel-Gruber syndrome; Nephronophthisis. Last evaluated: 2026-02-04. Review status: criteria provided, single submitter. Criteria: Invitae Variant Classification Sherloc (09022015). Collection method: clinical testing. Allele origin: germline.

Blueprint Genetics
Classification: Likely benign. Last evaluated: 2024-11-27. Review status: criteria provided, single submitter. Criteria: ACMG Guidelines, 2015. Collection method: clinical testing. Allele origin: germline.

Eurofins Ntd Llc (ga)
Classification: Benign. Last evaluated: 2015-08-27. Review status: criteria provided, single submitter. Criteria: EGL Classification Definitions 2015. Collection method: clinical testing. Allele origin: germline. Observed: 1 variant allele, 1 heterozygote.

GeneDx
Classification: Benign. Last evaluated: 2014-01-30. Review status: criteria provided, single submitter. Criteria: GeneDx Variant Classification (06012015). Collection method: clinical testing. Allele origin: germline. Affected: yes.
Comment: This variant is considered likely benign or benign based on one or more of the following criteria: it is a conservative change, it occurs at a poorly conserved position in the protein, it is predicted to be benign by multiple in silico algorithms, and/or has population frequency not consistent with disease.

Breakthrough Genomics
Classification: Benign. Review status: criteria provided, single submitter. Criteria: ACMG Guidelines, 2015. Collection method: not provided. Allele origin: germline. Inheritance: Autosomal recessive inheritance. Affected: yes.

PreventionGenetics, part of Exact Sciences
Classification: Benign. Review status: criteria provided, single submitter. Criteria: ACMG Guidelines, 2015. Collection method: clinical testing. Allele origin: germline.

Genetic Services Laboratory, University of Chicago
Classification: Likely benign for AllHighlyPenetrant. Review status: no assertion criteria provided. Collection method: clinical testing. Allele origin: germline. Inheritance: Autosomal recessive inheritance. Observed: 3 variant alleles. Not counted in ClinVar's aggregate classification.
Comment: Likely benign based on allele frequency in 1000 Genomes Project or ESP global frequency and its presence in a patient with a rare or unrelated disease phenotype. NOT Sanger confirmed.

NM_025114.4(CEP290):c.5709+18C>A

Gene: CEP290 (centrosomal protein 290; minus strand). Cytogenetic location: 12q21.32.
Variant type: single nucleotide variant.
Coding change: c.5709+18C>A on transcript NM_025114.4 (MANE Select); 18 bases into the intron after coding-DNA position 5709, C replaced by A.
Molecular consequence: intron variant.
Genome position (GRCh38, 1-based): chr12:88,077,204, G>T on the plus strand (C>A on the coding strand, the complement: CEP290 is on the minus strand). VCF-style: chr12-88077204-G-T. GRCh37 (hg19) VCF-style: chr12-88470981-G-T.
Identifiers: ClinVar variation 126263 (VCV000126263.22), dbSNP rs7973969, ClinGen allele CA150919.